The following is an entry in ClinVar:

ClinVar aggregate classification (germline): Likely benign. Review status: criteria provided, multiple submitters, no conflicts (2 of 4 stars). 3 submissions from 3 submitters: Likely benign (3). Last evaluated 2024-02-25.

Conditions:
Autosomal recessive nonsyndromic hearing loss 77. Identifiers: Orphanet 90636, MedGen C2746083, MONDO:0013119, OMIM 613079.

Allele frequency attached by ClinVar (database versions not stated): ExAC 0.00004; TOPMed 0.00018; ESP Exome Variant Server 0.00022.
gnomAD v4.1: 30 of 1,551,582 alleles (0.0019%); highest among the groups gnomAD compares: African/African-American, 0.033%; no homozygotes.

Submissions (3):

Labcorp Genetics (formerly Invitae), Labcorp
Classification: Likely benign. Last evaluated: 2024-02-25. Review status: criteria provided, single submitter. Criteria: Invitae Variant Classification Sherloc (09022015). Collection method: clinical testing. Allele origin: germline.

ARUP Laboratories, Molecular Genetics and Genomics, ARUP Laboratories
Classification: Likely benign for Autosomal recessive nonsyndromic hearing loss 77. Last evaluated: 2022-07-15. Review status: criteria provided, single submitter. Criteria: ARUP Molecular Germline Variant Investigation Process 2021. Collection method: clinical testing. Allele origin: germline.

Laboratory for Molecular Medicine, Mass General Brigham Personalized Medicine
Classification: Likely benign. Last evaluated: 2015-08-11. Review status: criteria provided, single submitter. Criteria: LMM Criteria. Collection method: clinical testing. Allele origin: germline. Observed: 1 variant allele.
Comment: p.Thr596Thr in Exon 13 of LOXHD1: This variant is not expected to have clinical significance because it does not alter an amino acid residue, and it is not loca ted within the splice consensus sequence. It has been identified in 1/2758 Afri can chromosomes by the Exome Aggregation Consortium (ExAC; dbSNP rs368683058).

NM_001384474.1(LOXHD1):c.1788A>G (p.Thr596=)

Gene: LOXHD1 (lipoxygenase homology PLAT domains 1; minus strand). Cytogenetic location: 18q21.1.
Variant type: single nucleotide variant.
Coding change: c.1788A>G on transcript NM_001384474.1 (MANE Select); coding-DNA position 1788, A replaced by G.
Protein change: p.Thr596=; no amino-acid change (threonine 596 retained).
Molecular consequence: synonymous variant.
Genome position (GRCh38, 1-based): chr18:46,579,651, T>C on the plus strand (A>G on the coding strand, the complement: LOXHD1 is on the minus strand). VCF-style: chr18-46579651-T-C. GRCh37 (hg19) VCF-style: chr18-44159614-T-C.
Other names: c.1788A>G, p.Thr596= (NM_144612.7).
Identifiers: ClinVar variation 227511 (VCV000227511.15), dbSNP rs368683058, ClinGen allele CA8952761.
Genomic context (GRCh38, chr18:46,579,651, plus strand): 5'-GGAGGAAGGGGATGAGTGGGGCACATTGCTGTAACTTACATTGCCCTTTTCAAACAGGTC[T>C]GTGTTATTCCTGCAGTTGTAGAGCAGCCGTTCCCCCGTGTCCCCCACATCACCAAAAAGG-3'
Protein context (NP_001371403.1, residues 586-606): ERLLYNCRNN[Thr596=]DLFEKGNADE